The following is an entry in ClinVar:

ClinVar aggregate classification (germline): Likely benign. Review status: criteria provided, multiple submitters, no conflicts (2 of 4 stars). 6 submissions from 6 submitters: Likely benign (3). 3 of the submissions do not count toward it. Last evaluated 2026-04-01.

Conditions:
LYST-related disorder. Also called: LYST-related condition.
Chédiak-Higashi syndrome (CHS). Also called: Chediak-Higashi Syndrome. Identifiers: Orphanet 167, MedGen C0007965, MONDO:0008963, OMIM 214500.

Allele frequency attached by ClinVar (database versions not stated): gnomAD exomes below 0.00001.
gnomAD v4.1: 9 of 1,614,116 alleles (0.00056%); highest among the groups gnomAD compares: Middle Eastern, 0.017%; no homozygotes.

Submissions (6):

CeGaT Center for Human Genetics Tuebingen
Classification: Likely benign. Last evaluated: 2026-04-01. Review status: criteria provided, single submitter. Criteria: CeGaT Center For Human Genetics Tuebingen Variant Classification Criteria Version 2. Collection method: clinical testing. Allele origin: germline. Affected: yes. Observed: 1 variant allele.
Comment: LYST: BP4, BP7

Labcorp Genetics (formerly Invitae), Labcorp
Classification: Likely benign for Chédiak-Higashi syndrome. Last evaluated: 2024-05-15. Review status: criteria provided, single submitter. Criteria: Invitae Variant Classification Sherloc (09022015). Collection method: clinical testing. Allele origin: germline.

Blueprint Genetics
Classification: Likely benign. Last evaluated: 2023-11-01. Review status: criteria provided, single submitter. Criteria: ACMG Guidelines, 2015. Collection method: clinical testing. Allele origin: germline.

PreventionGenetics, part of Exact Sciences
Classification: Likely benign for LYST-related condition. Last evaluated: 2019-05-30. Review status: no assertion criteria provided. Collection method: clinical testing. Allele origin: germline. Not counted in ClinVar's aggregate classification.
Comment: This variant is classified as likely benign based on ACMG/AMP sequence variant interpretation guidelines (Richards et al. 2015 PMID: 25741868, with internal and published modifications).

Clinical Genetics DNA and cytogenetics Diagnostics Lab, Erasmus MC, Erasmus Medical Center
Classification: Likely benign. Review status: no assertion criteria provided. Collection method: clinical testing. Allele origin: germline. Affected: yes. Study: VKGL Data-share Consensus. Not counted in ClinVar's aggregate classification.

Clinical Genetics, Academic Medical Center
Classification: Benign. Review status: no assertion criteria provided. Collection method: clinical testing. Allele origin: germline. Affected: yes. Study: VKGL Data-share Consensus. Not counted in ClinVar's aggregate classification.

NM_000081.4(LYST):c.6570C>T (p.Val2190=)

Gene: LYST (lysosomal trafficking regulator; minus strand). Cytogenetic location: 1q42.3.
Variant type: single nucleotide variant.
Coding change: c.6570C>T on transcript NM_000081.4 (MANE Select); coding-DNA position 6570, C replaced by T.
Protein change: p.Val2190=; no amino-acid change (valine 2190 retained).
Molecular consequence: synonymous variant.
Genome position (GRCh38, 1-based): chr1:235,759,283, G>A on the plus strand (C>T on the coding strand, the complement: LYST is on the minus strand). VCF-style: chr1-235759283-G-A. GRCh37 (hg19) VCF-style: chr1-235922583-G-A.
Other names: c.6570C>T, p.Val2190= (NM_001301365.1).
Identifiers: ClinVar variation 760247 (VCV000760247.15), dbSNP rs1572170906, ClinGen allele CA424025102.